The following is an entry in ClinVar:

NM_024996.7(GFM1):c.1577G>A (p.Arg526Gln)

Gene: GFM1 (G elongation factor mitochondrial 1; plus strand). Cytogenetic location: 3q25.32.
Variant type: single nucleotide variant.
Coding change: c.1577G>A on transcript NM_024996.7 (MANE Select); coding-DNA position 1577, G replaced by A.
Protein change: p.Arg526Gln; replaces arginine 526 with glutamine.
Molecular consequence: missense variant. On other transcripts: non-coding transcript variant (4).
Genome position (GRCh38, 1-based): chr3:158,666,362, G>A. VCF-style: chr3-158666362-G-A. GRCh37 (hg19) VCF-style: chr3-158384151-G-A.
Other names: c.1634G>A, p.Arg545Gln (NM_001308164.2); c.1577G>A, p.Arg526Gln (NM_001308166.2); c.1496G>A, p.Arg499Gln (NM_001374355.1); c.1460G>A, p.Arg487Gln (NM_001374356.1); c.1352G>A, p.Arg451Gln (NM_001374357.1); c.1118G>A, p.Arg373Gln (NM_001374358.1); c.1010G>A, p.Arg337Gln (NM_001374359.1, NM_001374360.1); c.893G>A, p.Arg298Gln (NM_001374361.1); short protein forms R298Q, R487Q, R526Q, R499Q, R373Q, R337Q, R451Q, R545Q.
Identifiers: ClinVar variation 2154989 (VCV002154989.2), dbSNP rs561293948, ClinGen allele CA2682702.

ClinVar aggregate classification (germline): Uncertain significance. Review status: criteria provided, multiple submitters, no conflicts (2 of 4 stars). 2 submissions from 2 submitters: Uncertain significance (2). Last evaluated 2022-07-13.

Allele frequency attached by ClinVar (database versions not stated): ExAC 0.00002; gnomAD 0.00002; TOPMed 0.00003; 1000 Genomes Project 30x 0.00016; 1000 Genomes Project 0.00020.
gnomAD v4.1: 12 of 1,613,588 alleles (0.00074%); highest among the groups gnomAD compares: African/African-American, 0.0053%; no homozygotes.

Submissions (2):

Labcorp Genetics (formerly Invitae), Labcorp
Classification: Uncertain significance. Last evaluated: 2022-07-13. Review status: criteria provided, single submitter. Criteria: Invitae Variant Classification Sherloc (09022015). Collection method: clinical testing. Allele origin: germline.
Comment: This sequence change replaces arginine, which is basic and polar, with glutamine, which is neutral and polar, at codon 526 of the GFM1 protein (p.Arg526Gln). This variant is present in population databases (rs561293948, gnomAD 0.007%). This variant has not been reported in the literature in individuals affected with GFM1-related conditions. Advanced modeling of protein sequence and biophysical properties (such as structural, functional, and spatial information, amino acid conservation, physicochemical variation, residue mobility, and thermodynamic stability) performed at Invitae indicates that this missense variant is expected to disrupt GFM1 protein function. In summary, the available evidence is currently insufficient to determine the role of this variant in disease. Therefore, it has been classified as a Variant of Uncertain Significance.

Blueprint Genetics
Classification: Uncertain significance. Last evaluated: 2019-04-17. Review status: criteria provided, single submitter. Criteria: ACMG Guidelines, 2015. Collection method: clinical testing. Allele origin: germline.